The following is an entry in ClinVar:

ClinVar aggregate classification (germline): Benign/Likely benign. Review status: criteria provided, multiple submitters, no conflicts (2 of 4 stars). 3 submissions from 3 submitters: Benign (1); Likely benign (2). Last evaluated 2025-12-29.

Conditions:
Hyper-IgM syndrome type 3. Also called: Hyper-IgM Immunodeficiency Syndrome, Type 3. Identifiers: Orphanet 101090, MedGen C1720957, MONDO:0011735, OMIM 606843.

Allele frequency attached by ClinVar (database versions not stated): gnomAD 0.00002 and 0.00021; TOPMed 0.00003; gnomAD exomes 0.00048 and 0.00103; ExAC 0.00109; 1000 Genomes Project 30x 0.00141; 1000 Genomes Project 0.00160.
gnomAD v4.1: 736 of 1,613,544 alleles (0.046%); highest among the groups gnomAD compares: South Asian, 0.76%; 9 homozygotes.

Submissions (3):

Labcorp Genetics (formerly Invitae), Labcorp
Classification: Benign. Last evaluated: 2025-12-29. Review status: criteria provided, single submitter. Criteria: Invitae Variant Classification Sherloc (09022015). Collection method: clinical testing. Allele origin: germline.

Blueprint Genetics
Classification: Likely benign. Last evaluated: 2024-11-18. Review status: criteria provided, single submitter. Criteria: ACMG Guidelines, 2015. Collection method: clinical testing. Allele origin: germline.

Illumina Laboratory Services, Illumina
Classification: Likely benign for Hyper-IgM syndrome type 3. Last evaluated: 2017-04-27. Review status: criteria provided, single submitter. Criteria: ICSL Variant Classification Criteria 13 December 2019. Collection method: clinical testing. Allele origin: germline.
Comment: This variant was observed as part of a predisposition screen in an ostensibly healthy population. A literature search was performed for the gene, cDNA change, and amino acid change (where applicable). No publications were found based on this search. Allele frequency data from public databases allowed determination this variant is unlikely to cause disease. Therefore, this variant is classified as likely benign.

NM_001250.6(CD40):c.621C>T (p.Ala207=)

Gene: CD40 (CD40 molecule; plus strand). Cytogenetic location: 20q13.12.
Variant type: single nucleotide variant.
Coding change: c.621C>T on transcript NM_001250.6 (MANE Select); coding-DNA position 621, C replaced by T.
Protein change: p.Ala207=; no amino-acid change (alanine 207 retained).
Molecular consequence: synonymous variant. On other transcripts: missense variant (2), non-coding transcript variant (2).
Genome position (GRCh38, 1-based): chr20:46,128,199, C>T. VCF-style: chr20-46128199-C-T. GRCh37 (hg19) VCF-style: chr20-44756838-C-T.
Other names: c.661C>T, p.His221Tyr (NM_001302753.2); c.621C>T, p.Ala207= (NM_001322421.2, NM_001362758.2); c.465C>T, p.Ala155= (NM_001322422.2); c.559C>T, p.His187Tyr (NM_152854.4); short protein forms H187Y, H221Y.
Identifiers: ClinVar variation 897762 (VCV000897762.13), dbSNP rs535886332, ClinGen allele CA9888531.